The following is an entry in ClinVar:

NM_000170.3(GLDC):c.1580+2T>G

Gene: GLDC (glycine decarboxylase; minus strand). Cytogenetic location: 9p24.1.
Variant type: single nucleotide variant.
Coding change: c.1580+2T>G on transcript NM_000170.3 (MANE Select); the canonical splice donor site of the intron after coding-DNA position 1580, T replaced by G.
Molecular consequence: splice donor variant.
Genome position (GRCh38, 1-based): chr9:6,589,193, A>C on the plus strand (T>G on the coding strand, the complement: GLDC is on the minus strand). VCF-style: chr9-6589193-A-C. GRCh37 (hg19) VCF-style: chr9-6589193-A-C.
Identifiers: ClinVar variation 462856 (VCV000462856.19), dbSNP rs1554646710, ClinGen allele CA372893196.

ClinVar aggregate classification (germline): Pathogenic. Review status: criteria provided, multiple submitters, no conflicts (2 of 4 stars). 6 submissions from 6 submitters: Pathogenic (4). 2 of the submissions do not count toward it. Last evaluated 2025-02-04.

Conditions:
Glycine encephalopathy. Also called: Nonketotic hyperglycinemia; Non-ketotic hyperglycinemia. Identifiers: Orphanet 407, MedGen C0751748, MONDO:0011612, HP:0008288.
Glycine encephalopathy 1 (GCE1). Identifiers: MedGen CN376801, MONDO:0958179, OMIM 605899.

Allele frequency attached by ClinVar (database versions not stated): gnomAD exomes 0.00001.
gnomAD v4.1: 18 of 1,572,276 alleles (0.0011%); highest among the groups gnomAD compares: Non-Finnish European, 0.0016%; no homozygotes.

Submissions (6):

GeneDx
Classification: Pathogenic. Last evaluated: 2025-02-04. Review status: criteria provided, single submitter. Criteria: GeneDx Variant Classification Process June 2021. Collection method: clinical testing. Allele origin: germline. Affected: yes.
Comment: Canonical splice site variant predicted to result in a null allele in a gene for which loss of function is a known mechanism of disease; Not observed at significant frequency in large population cohorts (gnomAD); This variant is associated with the following publications: (PMID: 27362913, 26179960, 26749113)

Fulgent Genetics
Classification: Pathogenic for Glycine encephalopathy 1. Last evaluated: 2024-04-12. Review status: criteria provided, single submitter. Criteria: ACMG Guidelines, 2015. Collection method: clinical testing. Allele origin: germline.

Labcorp Genetics (formerly Invitae), Labcorp
Classification: Pathogenic for Glycine encephalopathy. Last evaluated: 2024-01-16. Review status: criteria provided, single submitter. Criteria: Invitae Variant Classification Sherloc (09022015). Collection method: clinical testing. Allele origin: germline.
Comment: This sequence change affects a donor splice site in intron 12 of the GLDC gene. It is expected to disrupt RNA splicing. Variants that disrupt the donor or acceptor splice site typically lead to a loss of protein function (PMID: 16199547), and loss-of-function variants in GLDC are known to be pathogenic (PMID: 16601880). This variant is not present in population databases (gnomAD no frequency). Disruption of this splice site has been observed in individual(s) with nonketotic hyperglycemia (glycine encephalopathy) (PMID: 26179960). In at least one individual the data is consistent with being in trans (on the opposite chromosome) from a pathogenic variant. ClinVar contains an entry for this variant (Variation ID: 462856). Algorithms developed to predict the effect of sequence changes on RNA splicing suggest that this variant may disrupt the consensus splice site. For these reasons, this variant has been classified as Pathogenic.

Women's Health and Genetics/Laboratory Corporation of America, LabCorp
Classification: Pathogenic for Non-ketotic hyperglycinemia. Last evaluated: 2018-05-25. Review status: criteria provided, single submitter. Criteria: LabCorp Variant Classification Summary - May 2015. Collection method: clinical testing. Allele origin: germline.
Comment: Variant summary: GLDC c.1580+2T>G is located in a canonical splice-site and is predicted to affect mRNA splicing resulting in a significantly altered protein due to either exon skipping, shortening, or inclusion of intronic material. Several computational tools predict a significant impact on normal splicing: Five predict the variant abolishes a 5 splicing donor site. However, these predictions have yet to be confirmed by functional studies. The variant was absent in 121382 control chromosomes. c.1580+2T>G has been reported in the literature in multiple individuals affected with Glycine Encephalopathy (Non-Ketotic Hyperglycinemia). These data indicate that the variant is very likely to be associated with disease. At least one publication reports experimental evidence evaluating an impact on protein function. The most pronounced variant effect results in <10% of normal activity measured as an elevation of CSF and plasma glycine levels. One clinical diagnostic laboratory has submitted clinical-significance assessments for this variant to ClinVar after 2014 without evidence for independent evaluation. One laboratory classified the variant as pathogenic/likely pathogenic. Based on the evidence outlined above, the variant was classified as pathogenic.

Natera, Inc.
Classification: Pathogenic for Non-ketotic hyperglycinemia. Last evaluated: 2021-02-04. Review status: no assertion criteria provided. Collection method: clinical testing. Allele origin: germline. Not counted in ClinVar's aggregate classification.

Counsyl
Classification: Pathogenic for Glycine encephalopathy 1. Last evaluated: 2018-04-03. Review status: no assertion criteria provided. Collection method: clinical testing. Allele origin: unknown. Not counted in ClinVar's aggregate classification.

Literature cited by the submitters: PubMed 16199547 (cited by Labcorp Genetics (formerly Invitae), Labcorp); PubMed 16601880 (cited by Labcorp Genetics (formerly Invitae), Labcorp); PubMed 26179960 (cited by Labcorp Genetics (formerly Invitae), Labcorp and Counsyl); PubMed 26749113 (cited by Women's Health and Genetics/Laboratory Corporation of America, LabCorp); PubMed 27362913 (cited by Women's Health and Genetics/Laboratory Corporation of America, LabCorp and Counsyl).